The following is an entry in ClinVar:

NM_004656.4(BAP1):c.1474A>G (p.Ser492Gly)

Gene: BAP1 (BRCA1 associated deubiquitinase 1; minus strand). Cytogenetic location: 3p21.1.
Variant type: single nucleotide variant.
Coding change: c.1474A>G on transcript NM_004656.4 (MANE Select); coding-DNA position 1474, A replaced by G.
Protein change: p.Ser492Gly; replaces serine 492 with glycine.
Molecular consequence: missense variant.
Genome position (GRCh38, 1-based): chr3:52,403,671, T>C on the plus strand (A>G on the coding strand, the complement: BAP1 is on the minus strand). VCF-style: chr3-52403671-T-C. GRCh37 (hg19) VCF-style: chr3-52437687-T-C.
Other names: c.1420A>G, p.Ser474Gly (NM_001410772.1); short protein forms S474G, S492G.
Identifiers: ClinVar variation 3224432 (VCV003224432.1), dbSNP rs1578220748, ClinGen allele CA353101105.

ClinVar aggregate classification (germline): Uncertain significance (1 of 4 stars; one submission).

Conditions:
Hereditary cancer-predisposing syndrome. Also called: Tumor predisposition; Hereditary neoplastic syndrome; Hereditary Cancer Syndrome; Neoplastic Syndromes, Hereditary. Identifiers: Orphanet 140162, MedGen C0027672, MeSH D009386, MONDO:0015356.

Submission:

Ambry Genetics
Classification: Uncertain significance for Hereditary cancer-predisposing syndrome. Last evaluated: 2023-12-11. Review status: criteria provided, single submitter. Criteria: Ambry Variant Classification Scheme 2023. Collection method: clinical testing. Allele origin: germline.
Comment: The p.S492G variant (also known as c.1474A>G), located in coding exon 13 of the BAP1 gene, results from an A to G substitution at nucleotide position 1474. The serine at codon 492 is replaced by glycine, an amino acid with similar properties. This amino acid position is conserved. In addition, the in silico prediction for this alteration is inconclusive. Since supporting evidence is limited at this time, the clinical significance of this alteration remains unclear.